The following is an entry in ClinVar:

NM_144997.7(FLCN):c.1510C>G (p.Leu504Val)

Gene: FLCN (folliculin; minus strand). Cytogenetic location: 17p11.2.
Variant type: single nucleotide variant.
Coding change: c.1510C>G on transcript NM_144997.7 (MANE Select); coding-DNA position 1510, C replaced by G.
Protein change: p.Leu504Val; replaces leucine 504 with valine.
Molecular consequence: missense variant.
Genome position (GRCh38, 1-based): chr17:17,215,013, G>C on the plus strand (C>G on the coding strand, the complement: FLCN is on the minus strand). VCF-style: chr17-17215013-G-C. GRCh37 (hg19) VCF-style: chr17-17118327-G-C.
Other names: c.1564C>G, p.Leu522Val (NM_001353229.2); c.1510C>G, p.Leu504Val (NM_001353230.2, NM_001353231.2); short protein forms L504V, L522V.
Identifiers: ClinVar variation 1774199 (VCV001774199.2), dbSNP rs1045022900, ClinGen allele CA288305073.

ClinVar aggregate classification (germline): Uncertain significance (1 of 4 stars; one submission).

Conditions:
Hereditary cancer-predisposing syndrome. Also called: Hereditary Cancer Syndrome; Hereditary neoplastic syndrome; Neoplastic Syndromes, Hereditary; Tumor predisposition. Identifiers: Orphanet 140162, MedGen C0027672, MeSH D009386, MONDO:0015356.

Submission:

Ambry Genetics
Classification: Uncertain significance for Hereditary cancer-predisposing syndrome. Last evaluated: 2022-03-29. Review status: criteria provided, single submitter. Criteria: Ambry Variant Classification Scheme 2023. Collection method: clinical testing. Allele origin: germline.
Comment: The p.L504V variant (also known as c.1510C>G), located in coding exon 10 of the FLCN gene, results from a C to G substitution at nucleotide position 1510. The leucine at codon 504 is replaced by valine, an amino acid with highly similar properties. This amino acid position is conserved. In addition, the in silico prediction for this alteration is inconclusive. Since supporting evidence is limited at this time, the clinical significance of this alteration remains unclear.